The following is an entry in ClinVar:

NM_001007553.3(CSDE1):c.1541C>G (p.Ser514Cys)

Gene: CSDE1 (cold shock domain containing E1; minus strand). Cytogenetic location: 1p13.2.
Variant type: single nucleotide variant.
Coding change: c.1541C>G on transcript NM_001007553.3 (MANE Select); coding-DNA position 1541, C replaced by G.
Protein change: p.Ser514Cys; replaces serine 514 with cysteine.
Molecular consequence: missense variant.
Genome position (GRCh38, 1-based): chr1:114,726,310, G>C on the plus strand (C>G on the coding strand, the complement: CSDE1 is on the minus strand). VCF-style: chr1-114726310-G-C. GRCh37 (hg19) VCF-style: chr1-115268931-G-C.
Other names: c.1586C>G, p.Ser529Cys (NM_001130523.3); c.1679C>G, p.Ser560Cys (NM_001242891.2); c.1541C>G, p.Ser514Cys (NM_001242892.2); c.1448C>G, p.Ser483Cys (NM_001242893.2, NM_007158.6); short protein forms S483C, S514C, S529C, S560C.
Identifiers: ClinVar variation 4881638 (VCV004881638.2).

ClinVar aggregate classification (germline): Uncertain significance (1 of 4 stars; one submission).

gnomAD v4.1: 3 of 1,613,816 alleles (0.00019%); highest among the groups gnomAD compares: Non-Finnish European, 0.00025%; no homozygotes.

Submission:

Dasa
Classification: Uncertain significance. Last evaluated: 2025-10-08. Review status: criteria provided, single submitter. Criteria: DASA Assertion Criteria. Collection method: clinical testing. Allele origin: germline.
Comment: NM_001007553.3(CSDE1):c.1541C>G (p.Ser514Cys) is a missense variant that results in the substitution of serine with cysteine. This variant is rare in population databases. The currently available literature and clinical evidence are not sufficient to establish a definitive association between this variant and the reported condition. Therefore, this variant is classified as a variant of uncertain significance.